The following is an entry in ClinVar:

ClinVar aggregate classification (germline): Benign (1 of 4 stars; one submission).

Allele frequency attached by ClinVar (database versions not stated): 1000 Genomes Project 0.54393; 1000 Genomes Project 30x 0.54981; TOPMed 0.62816; gnomAD 0.64012 and 0.65030.
gnomAD v4.1: 97,271 of 151,698 alleles (64%); highest among the groups gnomAD compares: African/African-American, 68%; 31,780 homozygotes.

Submission:

GeneDx
Classification: Benign. Last evaluated: 2018-06-16. Review status: criteria provided, single submitter. Criteria: GeneDx Variant Classification (06012015). Collection method: clinical testing. Allele origin: germline. Affected: yes.
Comment: This variant is considered likely benign or benign based on one or more of the following criteria: it is a conservative change, it occurs at a poorly conserved position in the protein, it is predicted to be benign by multiple in silico algorithms, and/or has population frequency not consistent with disease.

NM_005592.4(MUSK):c.80-260A>G

Gene: MUSK (muscle associated receptor tyrosine kinase; plus strand). Cytogenetic location: 9q31.3.
Variant type: single nucleotide variant.
Coding change: c.80-260A>G on transcript NM_005592.4 (MANE Select); 260 bases into the intron before coding-DNA position 80, A replaced by G.
Molecular consequence: intron variant.
Genome position (GRCh38, 1-based): chr9:110,682,414, A>G. VCF-style: chr9-110682414-A-G. GRCh37 (hg19) VCF-style: chr9-113444694-A-G.
Other names: c.80-260A>G (NM_001166280.2, NM_001166281.2).
Identifiers: ClinVar variation 671339 (VCV000671339.1), dbSNP rs4132614, ClinGen allele CA13089243.